The following is an entry in ClinVar:

ClinVar aggregate classification (germline): Pathogenic (1 of 4 stars; one submission).

Conditions:
Alagille syndrome due to a JAG1 point mutation. Also called: HEPATIC DUCTULAR HYPOPLASIA, SYNDROMATIC; Alagille Syndrome 1; JAG1-Related Alagille Syndrome. Identifiers: Orphanet 261619, Orphanet 52, MedGen C1956125, MONDO:0016862, OMIM 118450.

Submission:

Labcorp Genetics (formerly Invitae), Labcorp
Classification: Pathogenic for Alagille syndrome due to a JAG1 point mutation. Last evaluated: 2022-07-18. Review status: criteria provided, single submitter. Criteria: Invitae Variant Classification Sherloc (09022015). Collection method: clinical testing. Allele origin: germline.
Comment: This variant has not been reported in the literature in individuals affected with JAG1-related conditions. For these reasons, this variant has been classified as Pathogenic. This variant disrupts a region of the JAG1 protein in which other variant(s) (p.Phe1068Serfs*6) have been determined to be pathogenic (Invitae). This suggests that this is a clinically significant region of the protein, and that variants that disrupt it are likely to be disease-causing. ClinVar contains an entry for this variant (Variation ID: 1459504). This variant is not present in population databases (gnomAD no frequency). This sequence change creates a premature translational stop signal (p.Arg1056Lysfs*53) in the JAG1 gene. While this is not anticipated to result in nonsense mediated decay, it is expected to disrupt the last 163 amino acid(s) of the JAG1 protein.

NM_000214.3(JAG1):c.3164dup (p.Arg1056fs)

Gene: JAG1 (jagged canonical Notch ligand 1; minus strand). Cytogenetic location: 20p12.2.
Variant type: Duplication.
Coding change: c.3164dup on transcript NM_000214.3 (MANE Select); coding-DNA position 3164, one base duplicated (T; older notation c.3164dupT).
Protein change: p.Arg1056fs; shifts the reading frame from arginine 1056.
Molecular consequence: frameshift variant.
Genome position (GRCh38, 1-based): chr20:10,640,818, A duplicated on the plus strand (T on the coding strand, the reverse complement: JAG1 is on the minus strand). VCF-style (leftmost placement, unchanged base first): chr20-10640817-T-TA. GRCh37 (hg19) VCF-style: chr20-10621465-T-TA.
Other names: short protein forms R1056fs.
Identifiers: ClinVar variation 1459504 (VCV001459504.6), dbSNP rs2122595010, ClinGen allele CA2573156848.
Genomic context (GRCh38, chr20:10,640,817, plus strand): 5'-ACAAACTAGTCCCACTTGACACCTACCTGTTCTGTTCTTCAGAGGCCGCCTCTGAACTCT[T>TA]ACTTCTGCAACGGCAGCAATCAGCGAGCTGTTTCCATCACGTTTACTAACAAGATCGATT-3'